The following is an entry in ClinVar:

NM_001791.4(CDC42):c.506T>C (p.Phe169Ser)

Gene: CDC42 (cell division cycle 42; plus strand). Cytogenetic location: 1p36.12.
Variant type: single nucleotide variant.
Coding change: c.506T>C on transcript NM_001791.4 (MANE Select); coding-DNA position 506, T replaced by C.
Protein change: p.Phe169Ser; replaces phenylalanine 169 with serine.
Molecular consequence: missense variant.
Genome position (GRCh38, 1-based): chr1:22,091,447, T>C. VCF-style: chr1-22091447-T-C. GRCh37 (hg19) VCF-style: chr1-22417940-T-C.
Other names: c.506T>C, p.Phe169Ser (NM_001039802.2); short protein forms F169S.
Identifiers: ClinVar variation 5037434 (VCV005037434.1).

ClinVar aggregate classification (germline): Uncertain significance (1 of 4 stars; one submission).

Submission:

GeneDx
Classification: Uncertain significance. Last evaluated: 2026-04-22. Review status: criteria provided, single submitter. Criteria: GeneDx Variant Classification Process June 2021. Collection method: clinical testing. Allele origin: germline.
Comment: Not observed at significant frequency in large population cohorts (gnomAD); In silico analysis supports that this missense variant has a deleterious effect on protein structure/function; Has not been previously published as pathogenic or benign to our knowledge